The following is an entry in ClinVar:

NM_006922.4(SCN3A):c.407G>A (p.Cys136Tyr)

Gene: SCN3A (sodium voltage-gated channel alpha subunit 3; minus strand). Cytogenetic location: 2q24.3.
Variant type: single nucleotide variant.
Coding change: c.407G>A on transcript NM_006922.4 (MANE Select); coding-DNA position 407, G replaced by A.
Protein change: p.Cys136Tyr; replaces cysteine 136 with tyrosine.
Molecular consequence: missense variant.
Genome position (GRCh38, 1-based): chr2:165,168,802, C>T on the plus strand (G>A on the coding strand, the complement: SCN3A is on the minus strand). VCF-style: chr2-165168802-C-T. GRCh37 (hg19) VCF-style: chr2-166025312-C-T.
Other names: c.407G>A, p.Cys136Tyr (NM_001081676.2, NM_001081677.2); short protein forms C136Y.
Identifiers: ClinVar variation 1524425 (VCV001524425.8), dbSNP rs2105906381, ClinGen allele CA349240334.

ClinVar aggregate classification (germline): Uncertain significance (1 of 4 stars; one submission).

gnomAD v4.1: 1 of 1,611,700 alleles (0.000062%); highest among the groups gnomAD compares: Admixed American, 0.0017%; no homozygotes.

Submission:

Labcorp Genetics (formerly Invitae), Labcorp
Classification: Uncertain significance. Last evaluated: 2022-01-11. Review status: criteria provided, single submitter. Criteria: Invitae Variant Classification Sherloc (09022015). Collection method: clinical testing. Allele origin: germline.
Comment: In summary, the available evidence is currently insufficient to determine the role of this variant in disease. Therefore, it has been classified as a Variant of Uncertain Significance. Algorithms developed to predict the effect of missense changes on protein structure and function are either unavailable or do not agree on the potential impact of this missense change (SIFT: "Tolerated"; PolyPhen-2: "Probably Damaging"; Align-GVGD: "Class C0"). This variant has not been reported in the literature in individuals affected with SCN3A-related conditions. This variant is not present in population databases (gnomAD no frequency). This sequence change replaces cysteine, which is neutral and slightly polar, with tyrosine, which is neutral and polar, at codon 136 of the SCN3A protein (p.Cys136Tyr).